The following is an entry in ClinVar:

NM_001129820.2(SLFN14):c.278A>G (p.Gln93Arg)

Gene: SLFN14 (schlafen family member 14; minus strand). Cytogenetic location: 17q12.
Variant type: single nucleotide variant.
Coding change: c.278A>G on transcript NM_001129820.2 (MANE Select); coding-DNA position 278, A replaced by G.
Protein change: p.Gln93Arg; replaces glutamine 93 with arginine.
Molecular consequence: missense variant.
Genome position (GRCh38, 1-based): chr17:35,557,785, T>C on the plus strand (A>G on the coding strand, the complement: SLFN14 is on the minus strand). VCF-style: chr17-35557785-T-C. GRCh37 (hg19) VCF-style: chr17-33884804-T-C.
Other names: p.Gln93Arg; c.278A>G (NM_001129820.1); short protein forms Q93R.
Identifiers: ClinVar variation 1333129 (VCV001333129.7), dbSNP rs10512472, ClinGen allele CA8504710.

ClinVar aggregate classification (germline): Benign/Likely benign. Review status: criteria provided, multiple submitters, no conflicts (2 of 4 stars). 5 submissions from 5 submitters: Benign (3); Likely benign (1). 1 of the submissions does not count toward it. Last evaluated 2025-09-05.

Conditions:
SLFN14-related disorder. Also called: SLFN14-related condition.
Platelet-type bleeding disorder 20 (BDPLT20). Identifiers: Orphanet 466806, MedGen C4310797, MONDO:0014830, OMIM 616913.

Allele frequency attached by ClinVar (database versions not stated): ESP Exome Variant Server 0.18331; gnomAD exomes 0.18524 and 0.20886; gnomAD 0.19284 and 0.19646; TOPMed 0.20271; ExAC 0.20477; 1000 Genomes Project 0.23522; 1000 Genomes Project 30x 0.23829.
gnomAD v4.1: 289,892 of 1,551,612 alleles (19%); highest among the groups gnomAD compares: East Asian, 36%; 28,328 homozygotes.

Submissions (5):

Mayo Clinic Laboratories, Mayo Clinic
Classification: Benign. Last evaluated: 2025-09-05. Review status: criteria provided, single submitter. Criteria: ACMG Guidelines, 2015. Collection method: clinical testing. Allele origin: germline. Observed: 250 variant alleles.
Comment: BA1, BS2, BP4

Blueprint Genetics
Classification: Likely benign. Last evaluated: 2024-11-27. Review status: criteria provided, single submitter. Criteria: ACMG Guidelines, 2015. Collection method: clinical testing. Allele origin: germline.

Genome-Nilou Lab
Classification: Benign for Platelet-type bleeding disorder 20. Last evaluated: 2021-07-15. Review status: criteria provided, single submitter. Criteria: ACMG Guidelines, 2015. Collection method: clinical testing. Allele origin: germline. Affected: no.

Breakthrough Genomics
Classification: Benign. Review status: criteria provided, single submitter. Criteria: ACMG Guidelines, 2015. Collection method: not provided. Allele origin: germline. Inheritance: Autosomal dominant inheritance. Affected: yes.

PreventionGenetics, part of Exact Sciences
Classification: Benign for SLFN14-related condition. Last evaluated: 2019-10-17. Review status: no assertion criteria provided. Collection method: clinical testing. Allele origin: germline. Not counted in ClinVar's aggregate classification.
Comment: This variant is classified as benign based on ACMG/AMP sequence variant interpretation guidelines (Richards et al. 2015 PMID: 25741868, with internal and published modifications).